The following is an entry in ClinVar:

ClinVar aggregate classification (germline): Uncertain significance. Review status: criteria provided, multiple submitters, no conflicts (2 of 4 stars). 2 submissions from 2 submitters: Uncertain significance (2). Last evaluated 2025-08-28.

Conditions:
Shprintzen-Goldberg syndrome (SGS). Also called: Marfanoid disorder with craniosynostosis type 1; Marfanoid craniosynostosis syndrome; Shprintzen-Goldberg marfanoid syndrome; SHPRINTZEN-GOLDBERG CRANIOSYNOSTOSIS SYNDROME; CRANIOSYNOSTOSIS WITH ARACHNODACTYLY AND ABDOMINAL HERNIAS. Identifiers: Orphanet 2462, MedGen C1321551, MONDO:0008426, OMIM 182212.
Familial thoracic aortic aneurysm and aortic dissection (TAAD). Also called: Thoracic aortic aneurysms and dissections. Identifiers: Orphanet 91387, MedGen C4707243, MONDO:0019625.

Allele frequency attached by ClinVar (database versions not stated): 1000 Genomes Project 30x 0.00016; gnomAD exomes below 0.00001 and 0.00001; ExAC 0.00003; ESP Exome Variant Server 0.00016; 1000 Genomes Project 0.00020; gnomAD 0.00005 and 0.00006; TOPMed 0.00006.

Submissions (2):

Ambry Genetics
Classification: Uncertain significance for Familial thoracic aortic aneurysm and aortic dissection. Last evaluated: 2025-08-28. Review status: criteria provided, single submitter. Criteria: Ambry Variant Classification Scheme 2023. Collection method: clinical testing. Allele origin: germline.
Comment: The p.P83S variant (also known as c.247C>T), located in coding exon 1 of the SKI gene, results from a C to T substitution at nucleotide position 247. The proline at codon 83 is replaced by serine, an amino acid with similar properties. This amino acid position is conserved. In addition, the in silico prediction for this alteration is inconclusive. Since supporting evidence is limited at this time, the clinical significance of this alteration remains unclear.

Labcorp Genetics (formerly Invitae), Labcorp
Classification: Uncertain significance for Shprintzen-Goldberg syndrome. Last evaluated: 2023-10-05. Review status: criteria provided, single submitter. Criteria: Invitae Variant Classification Sherloc (09022015). Collection method: clinical testing. Allele origin: germline.
Comment: This sequence change replaces proline, which is neutral and non-polar, with serine, which is neutral and polar, at codon 83 of the SKI protein (p.Pro83Ser). This variant is present in population databases (rs201590284, gnomAD 0.02%). This variant has not been reported in the literature in individuals affected with SKI-related conditions. ClinVar contains an entry for this variant (Variation ID: 661770). Advanced modeling of protein sequence and biophysical properties (such as structural, functional, and spatial information, amino acid conservation, physicochemical variation, residue mobility, and thermodynamic stability) has been performed at Invitae for this missense variant, however the output from this modeling did not meet the statistical confidence thresholds required to predict the impact of this variant on SKI protein function. In summary, the available evidence is currently insufficient to determine the role of this variant in disease. Therefore, it has been classified as a Variant of Uncertain Significance.

NM_003036.4(SKI):c.247C>T (p.Pro83Ser)

Gene: SKI (SKI proto-oncogene; plus strand). Cytogenetic location: 1p36.33.
Variant type: single nucleotide variant.
Coding change: c.247C>T on transcript NM_003036.4 (MANE Select); coding-DNA position 247, C replaced by T.
Protein change: p.Pro83Ser; replaces proline 83 with serine.
Molecular consequence: missense variant.
Genome position (GRCh38, 1-based): chr1:2,229,013, C>T. VCF-style: chr1-2229013-C-T. GRCh37 (hg19) VCF-style: chr1-2160452-C-T.
Other names: short protein forms P83S.
Identifiers: ClinVar variation 661770 (VCV000661770.15), dbSNP rs201590284, ClinGen allele CA536356.
Genomic context (GRCh38, chr1:2,229,013, plus strand): 5'-CCGGTGCCCGCAGCCACCGAGCCGCCGCCCGTGCTGCACCTGCCCGCCATCCAGCCGCCG[C>T]CGCCCGTGCTGCCCGGGCCCTTCTTCATGCCGTCCGACCGCTCCACCGAGCGCTGCGAGA-3'
Protein context (NP_003027.1, residues 73-93): VLHLPAIQPP[Pro83Ser]PVLPGPFFMP